The following is an entry in ClinVar:

NM_003743.5(NCOA1):c.194A>G (p.Asp65Gly)

Gene: NCOA1 (nuclear receptor coactivator 1; plus strand). Cytogenetic location: 2p23.3.
Variant type: single nucleotide variant.
Coding change: c.194A>G on transcript NM_003743.5 (MANE Select); coding-DNA position 194, A replaced by G.
Protein change: p.Asp65Gly; replaces aspartic acid 65 with glycine.
Molecular consequence: missense variant.
Genome position (GRCh38, 1-based): chr2:24,665,853, A>G. VCF-style: chr2-24665853-A-G. GRCh37 (hg19) VCF-style: chr2-24888722-A-G.
Other names: c.194A>G, p.Asp65Gly (NM_001362950.1, NM_001362952.1, NM_001362954.1 and 3 more transcripts); short protein forms D65G.
Identifiers: ClinVar variation 4996068 (VCV004996068.1).

ClinVar aggregate classification (germline): Uncertain significance (1 of 4 stars; one submission).

Conditions:
NCOA1-related disorder. Also called: NCOA1-related condition.

Submission:

PreventionGenetics, part of Exact Sciences
Classification: Uncertain significance for NCOA1-related condition. Last evaluated: 2024-12-31. Review status: criteria provided, single submitter. Criteria: ACMG Guidelines, 2015. Collection method: clinical testing. Allele origin: germline.
Comment: The NCOA1 c.194A>G variant is predicted to result in the amino acid substitution p.Asp65Gly. To our knowledge, this variant has not been reported in the literature or in a large population database (gnomAD), indicating this variant is rare. At this time, the clinical significance of this variant is uncertain due to the absence of conclusive functional and genetic evidence.